The following is an entry in ClinVar:

ClinVar aggregate classification (germline): Pathogenic (1 of 4 stars; one submission).

Conditions:
Pontocerebellar hypoplasia type 9. Identifiers: Orphanet 369920, MedGen C4014354, MONDO:0014351, OMIM 615809.
Hereditary spastic paraplegia 63. Also called: Spastic paraplegia 63, autosomal recessive. Identifiers: Orphanet 401805, MedGen C3810295, MONDO:0014305, OMIM 615686.

Submission:

Labcorp Genetics (formerly Invitae), Labcorp
Classification: Pathogenic for Pontocerebellar hypoplasia type 9; Hereditary spastic paraplegia 63. Last evaluated: 2026-01-11. Review status: criteria provided, single submitter. Criteria: Invitae Variant Classification Sherloc (09022015). Collection method: clinical testing. Allele origin: germline.
Comment: This sequence change creates a premature translational stop signal (p.Asp32Glyfs*48) in the AMPD2 gene. It is expected to result in an absent or disrupted protein product. Loss-of-function variants in AMPD2 are known to be pathogenic (PMID: 23911318). The frequency data for this variant in the population databases is considered unreliable, as metrics indicate poor data quality at this position in the gnomAD database. This variant has not been reported in the literature in individuals affected with AMPD2-related conditions. For these reasons, this variant has been classified as Pathogenic.

Literature cited by the submitters: PubMed 23911318.

NM_001368809.2(AMPD2):c.-90_-69dup

Gene: AMPD2 (adenosine monophosphate deaminase 2; plus strand). Cytogenetic location: 1p13.3.
Variant type: Duplication.
Coding change: c.-90_-69dup on transcript NM_001368809.2 (MANE Select); 90 bases upstream of the start codon through 69 bases upstream of the start codon, 22 bases duplicated (GCGGGGCGGAGGAAGGGGTTGG).
Molecular consequence: 5 prime UTR variant. On other transcripts: frameshift variant (1), intron variant (1).
Genome position (GRCh38, 1-based): chr1:109,621,086-109,621,107, GCGGGGCGGAGGAAGGGGTTGG duplicated; duplicating any 22 consecutive bases within chr1:109,621,084-109,621,107 gives the same sequence; the c. name uses the placement nearest the transcript's 3' end. VCF-style (leftmost placement, unchanged base first): chr1-109621083-G-GGGGCGGGGCGGAGGAAGGGGTT. GRCh37 (hg19) VCF-style: chr1-110163705-G-GGGGCGGGGCGGAGGAAGGGGTT.
Other names: c.-22_-1dup, p.Met1fs (NM_001308170.1); c.10+808_10+829dup (NM_139156.4); short protein forms M1fs.
Identifiers: ClinVar variation 4789804 (VCV004789804.1).